The following is an entry in ClinVar:

ClinVar aggregate classification (germline): Benign. Review status: criteria provided, multiple submitters, no conflicts (2 of 4 stars). 2 submissions from 2 submitters: Benign (2). Last evaluated 2018-01-13.

Conditions:
Primary familial polycythemia due to EPO receptor mutation. Also called: ERYTHROCYTOSIS, SOMATIC; POLYCYTHEMIA, PRIMARY FAMILIAL AND CONGENITAL; Primary Familial Congenital Polycythemia; Erythrocytosis, familial, 1. Identifiers: Orphanet 90042, MedGen C4551637, MONDO:0007572, OMIM 133100.

Allele frequency attached by ClinVar (database versions not stated): ESP Exome Variant Server 0.00023; gnomAD 0.00046 and 0.00068; TOPMed 0.00071; 1000 Genomes Project 30x 0.00125; 1000 Genomes Project 0.00140; gnomAD exomes 0.00165; ExAC 0.00173.
gnomAD v4.1: 1,466 of 1,613,106 alleles (0.091%); highest among the groups gnomAD compares: South Asian, 0.95%; 21 homozygotes.

Submissions (2):

Illumina Laboratory Services, Illumina
Classification: Benign for Primary familial polycythemia due to EPO receptor mutation. Last evaluated: 2018-01-13. Review status: criteria provided, single submitter. Criteria: ICSL Variant Classification Criteria 13 December 2019. Collection method: clinical testing. Allele origin: germline.
Comment: This variant was observed in the ICSL laboratory as part of a predisposition screen in an ostensibly healthy population. It had not been previously curated by ICSL or reported in the Human Gene Mutation Database (HGMD: prior to June 1st, 2018), and was therefore a candidate for classification through an automated scoring system. Utilizing variant allele frequency, disease prevalence and penetrance estimates, and inheritance mode, an automated score was calculated to assess if this variant is too frequent to cause the disease. Based on the score and internal cut-off values, a variant classified as benign is not then subjected to further curation. The score for this variant resulted in a classification of benign for this disease.

Breakthrough Genomics
Classification: Benign. Review status: criteria provided, single submitter. Criteria: ACMG Guidelines, 2015. Collection method: not provided. Allele origin: germline. Inheritance: Autosomal dominant inheritance. Affected: yes.

NM_000121.4(EPOR):c.*35G>A

Gene: EPOR (erythropoietin receptor; minus strand). Cytogenetic location: 19p13.2.
Variant type: single nucleotide variant.
Coding change: c.*35G>A on transcript NM_000121.4 (MANE Select); 35 bases downstream of the stop codon, G replaced by A.
Molecular consequence: 3 prime UTR variant. On other transcripts: non-coding transcript variant (1).
Genome position (GRCh38, 1-based): chr19:11,377,949, C>T on the plus strand (G>A on the coding strand, the complement: EPOR is on the minus strand). VCF-style: chr19-11377949-C-T. GRCh37 (hg19) VCF-style: chr19-11488625-C-T.
Identifiers: ClinVar variation 328137 (VCV000328137.6), dbSNP rs200997864, ClinGen allele CA9210484.